The following is an entry in ClinVar:

NM_201384.3(PLEC):c.4793A>G (p.Glu1598Gly)

Gene: PLEC (plectin; minus strand). Cytogenetic location: 8q24.3.
Variant type: single nucleotide variant.
Coding change: c.4793A>G on transcript NM_201384.3 (MANE Select); coding-DNA position 4793, A replaced by G.
Protein change: p.Glu1598Gly; replaces glutamic acid 1598 with glycine.
Molecular consequence: missense variant. On other transcripts: intron variant (1).
Genome position (GRCh38, 1-based): chr8:143,925,136, T>C on the plus strand (A>G on the coding strand, the complement: PLEC is on the minus strand). VCF-style: chr8-143925136-T-C. GRCh37 (hg19) VCF-style: chr8-144999304-T-C.
Other names: c.4874A>G, p.Glu1625Gly (NM_000445.5); c.4751A>G, p.Glu1584Gly (NM_201378.4); c.4727A>G, p.Glu1576Gly (NM_201379.3); c.5204A>G, p.Glu1735Gly (NM_201380.4); c.4697A>G, p.Glu1566Gly (NM_201381.3); c.4793A>G, p.Glu1598Gly (NM_201382.4); c.4805A>G, p.Glu1602Gly (NM_201383.3); c.4125+1648A>G (NM_001410941.1); short protein forms E1584G, E1625G, E1598G, E1602G, E1735G, E1566G, E1576G.
Identifiers: ClinVar variation 2926266 (VCV002926266.3), dbSNP rs2538015604, ClinGen allele CA372552962.
Genomic context (GRCh38, chr8:143,925,136, plus strand): 5'-GCCTGCTGCTGTGCCCGCCGCTCAGCCTCCTCCCGCAGCTGTGCCACAGCCACGTGTTCC[T>C]CCTGCAGGGAGCGCTCCAGCTGTGCCGTCTTCTCGGCGAAGGAGGCGCGTTTGCTCTGCA-3'
Protein context (NP_958786.1, residues 1588-1608): KTAQLERSLQ[Glu1598Gly]EHVAVAQLRE

ClinVar aggregate classification (germline): Uncertain significance (1 of 4 stars; one submission).

Conditions:
Epidermolysis bullosa simplex with nail dystrophy (EBS5D). Identifiers: MedGen C4225309, MONDO:0014661, OMIM 616487.
Epidermolysis bullosa simplex 5B, with muscular dystrophy (EBS5B). Also called: EPIDERMOLYSIS BULLOSA SIMPLEX AND LIMB-GIRDLE MUSCULAR DYSTROPHY; Epidermolysis bullosa simplex with muscular dystrophy. Identifiers: Orphanet 257, MedGen C2931072, MONDO:0009181, OMIM 226670.
Epidermolysis bullosa simplex 5C, with pyloric atresia (EBS5C). Also called: PLEC-Related Epidermolysis Bullosa with Pyloric Atresia; Epidermolysis bullosa simplex with pyloric atresia; PLEC1-Related Epidermolysis Bullosa with Pyloric Atresia. Identifiers: Orphanet 158684, MedGen C2677349, MONDO:0012807, OMIM 612138.
Autosomal recessive limb-girdle muscular dystrophy type 2Q (LGMDR17). Also called: MUSCULAR DYSTROPHY, LIMB-GIRDLE, AUTOSOMAL RECESSIVE 17. Identifiers: Orphanet 254361, MedGen C3150989, MONDO:0013390, OMIM 613723.
Epidermolysis bullosa simplex, Ogna type (EBS5A). Also called: Pidermolysis bullosa simplex 5A, Ogna type; EPIDERMOLYSIS BULLOSA SIMPLEX 5A, OGNA TYPE. Identifiers: Orphanet 79401, MedGen C0432317, MONDO:0007555, OMIM 131950.

Allele frequency attached by ClinVar (database versions not stated): gnomAD exomes below 0.00001.
gnomAD v4.1: 3 of 1,558,858 alleles (0.00019%); highest among the groups gnomAD compares: Non-Finnish European, 0.00017%; no homozygotes.

Submission:

Labcorp Genetics (formerly Invitae), Labcorp
Classification: Uncertain significance for Autosomal recessive limb-girdle muscular dystrophy type 2Q; Epidermolysis bullosa simplex, Ogna type; Epidermolysis bullosa simplex with nail dystrophy; Epidermolysis bullosa simplex 5C, with pyloric atresia; Epidermolysis bullosa simplex 5B, with muscular dystrophy. Last evaluated: 2023-07-26. Review status: criteria provided, single submitter. Criteria: Invitae Variant Classification Sherloc (09022015). Collection method: clinical testing. Allele origin: germline.
Comment: In summary, the available evidence is currently insufficient to determine the role of this variant in disease. Therefore, it has been classified as a Variant of Uncertain Significance. Experimental studies and prediction algorithms are not available or were not evaluated, and the functional significance of this variant is currently unknown. This variant has not been reported in the literature in individuals affected with PLEC-related conditions. This variant is not present in population databases (gnomAD no frequency). This sequence change replaces glutamic acid, which is acidic and polar, with glycine, which is neutral and non-polar, at codon 1625 of the PLEC protein (p.Glu1625Gly).